The following is an entry in ClinVar:

ClinVar aggregate classification (germline): Benign/Likely benign. Review status: criteria provided, multiple submitters, no conflicts (2 of 4 stars). 9 submissions from 9 submitters: Benign (2); Likely benign (5). 2 of the submissions do not count toward it. Last evaluated 2026-08-18.

Conditions:
HK1-related disorder. Also called: HK1-related disorders; HK1-related condition.

Allele frequency attached by ClinVar (database versions not stated): gnomAD exomes 0.00136 and 0.00222; ExAC 0.00222; gnomAD 0.00340 and 0.00349; ESP Exome Variant Server 0.00354; TOPMed 0.00448; 1000 Genomes Project 0.00559; 1000 Genomes Project 30x 0.00578.
gnomAD v4.1: 2,606 of 1,614,220 alleles (0.16%); highest among the groups gnomAD compares: Middle Eastern, 1.1%; 8 homozygotes.

Submissions (9):

PreventionGenetics, part of Exact Sciences
Classification: Benign for HK1-related condition. Last evaluated: 2026-08-18. Review status: criteria provided, single submitter. Criteria: ACMG Guidelines, 2015. Collection method: clinical testing. Allele origin: germline.
Comment: This variant is classified as benign based on ACMG/AMP sequence variant interpretation guidelines (Richards et al. 2015 PMID: 25741868, with internal and published modifications).

CeGaT Center for Human Genetics Tuebingen
Classification: Likely benign. Last evaluated: 2026-07-01. Review status: criteria provided, single submitter. Criteria: CeGaT Center For Human Genetics Tuebingen Variant Classification Criteria Version 2. Collection method: clinical testing. Allele origin: germline. Affected: yes. Observed: 15 variant alleles.
Comment: HK1: BP4, BP7

Labcorp Genetics (formerly Invitae), Labcorp
Classification: Benign. Last evaluated: 2026-01-27. Review status: criteria provided, single submitter. Criteria: Invitae Variant Classification Sherloc (09022015). Collection method: clinical testing. Allele origin: germline.

Mayo Clinic Laboratories, Mayo Clinic
Classification: Likely benign. Last evaluated: 2025-05-30. Review status: criteria provided, single submitter. Criteria: ACMG Guidelines, 2015. Collection method: clinical testing. Allele origin: germline. Observed: 17 variant alleles.

Blueprint Genetics
Classification: Likely benign. Last evaluated: 2024-11-22. Review status: criteria provided, single submitter. Criteria: ACMG Guidelines, 2015. Collection method: clinical testing. Allele origin: germline.

ARUP Laboratories, Molecular Genetics and Genomics, ARUP Laboratories
Classification: Likely benign. Last evaluated: 2024-04-03. Review status: criteria provided, single submitter. Criteria: ARUP Molecular Germline Variant Investigation Process 2024. Collection method: clinical testing. Allele origin: germline.

Breakthrough Genomics
Classification: Likely benign. Review status: criteria provided, single submitter. Criteria: ACMG Guidelines, 2015. Collection method: not provided. Allele origin: germline. Inheritance: Autosomal recessive inheritance. Affected: yes.

Clinical Genetics DNA and cytogenetics Diagnostics Lab, Erasmus MC, Erasmus Medical Center
Classification: Likely benign. Review status: no assertion criteria provided. Collection method: clinical testing. Allele origin: germline. Affected: yes. Study: VKGL Data-share Consensus. Not counted in ClinVar's aggregate classification.

Clinical Genetics, Academic Medical Center
Classification: Benign. Review status: no assertion criteria provided. Collection method: clinical testing. Allele origin: germline. Affected: yes. Study: VKGL Data-share Consensus. Not counted in ClinVar's aggregate classification.

NM_000188.3(HK1):c.828G>A (p.Glu276=)

Gene: HK1 (hexokinase 1; plus strand). Cytogenetic location: 10q22.1.
Variant type: single nucleotide variant.
Coding change: c.828G>A on transcript NM_000188.3 (MANE Select); coding-DNA position 828, G replaced by A.
Protein change: p.Glu276=; no amino-acid change (glutamic acid 276 retained).
Molecular consequence: synonymous variant.
Genome position (GRCh38, 1-based): chr10:69,369,577, G>A. VCF-style: chr10-69369577-G-A. GRCh37 (hg19) VCF-style: chr10-71129333-G-A.
Other names: p.Glu275=; c.840G>A, p.Glu280= (NM_001322364.2, NM_001358263.1, NM_033497.3 and 1 more transcripts); c.933G>A, p.Glu311= (NM_001322365.2); c.744G>A, p.Glu248= (NM_001322366.1); c.732G>A, p.Glu244= (NM_001322367.1); c.825G>A, p.Glu275= (NM_033496.3); c.792G>A, p.Glu264= (NM_033500.2); c.825G>A (NM_033496.2).
Identifiers: ClinVar variation 719188 (VCV000719188.66), dbSNP rs41279658, ClinGen allele CA5532432.